The following is an entry in ClinVar:

ClinVar aggregate classification (germline): Uncertain significance. Review status: criteria provided, multiple submitters, no conflicts (2 of 4 stars). 2 submissions from 2 submitters: Uncertain significance (2). Last evaluated 2021-11-17.

Conditions:
Insulin-dependent diabetes mellitus secretory diarrhea syndrome (IPEX). Also called: Immune dysregulation-polyendocrinopathy-enteropathy-X-linked syndrome; IMMUNODEFICIENCY, POLYENDOCRINOPATHY, AND ENTEROPATHY, X-LINKED; Immunodeficiency, Polyendocrinopathy, and Enteropathy X-Linked Syndrome; X-Linked Syndrome of Polyendocrinopathy, Immune Dysfunction, and Diarrhea; DIABETES MELLITUS, CONGENITAL INSULIN-DEPENDENT, WITH FATAL SECRETORY DIARRHEA; DIARRHEA, POLYENDOCRINOPATHY, FATAL INFECTION SYNDROME, X-LINKED. Identifiers: Orphanet 37042, MedGen C0342288, MONDO:0010580, OMIM 304790. Disease mechanism: loss of function.

Allele frequency attached by ClinVar (database versions not stated): gnomAD exomes below 0.00001 and 0.00001; gnomAD 0.00001; TOPMed 0.00001.
gnomAD v4.1: 3 of 1,197,895 alleles (0.00025%); highest among the groups gnomAD compares: Non-Finnish European, 0.00022%; no homozygotes.

Submissions (2):

Genetic Services Laboratory, University of Chicago
Classification: Uncertain significance. Last evaluated: 2021-11-17. Review status: criteria provided, single submitter. Criteria: ACMG Guidelines, 2015. Collection method: clinical testing. Allele origin: germline. Affected: no.
Comment: This sequence change does not appear to have been previously described in individuals with FOXP3-related disorders. This sequence change has been described in the gnomAD database in one individual which corresponds to a population frequency of 0.00057 % (dbSNP NA). The p.Arg358Gln change affects a moderately conserved amino acid residue located in a domain of the FOXP3 protein that is known to be functional. In-silico pathogenicity prediction tools (SIFT, PolyPhen2, Align GVGD, REVEL) provide contradictory results for the p.Arg358Gln substitution. Due to insufficient evidence and the lack of functional studies, the clinical significance of the p.Arg358Gln change remains unknown at this time.

Labcorp Genetics (formerly Invitae), Labcorp
Classification: Uncertain significance for Insulin-dependent diabetes mellitus secretory diarrhea syndrome. Last evaluated: 2019-11-25. Review status: criteria provided, single submitter. Criteria: Invitae Variant Classification Sherloc (09022015). Collection method: clinical testing. Allele origin: germline.
Comment: This sequence change replaces arginine with glutamine at codon 358 of the FOXP3 protein (p.Arg358Gln). The arginine residue is moderately conserved and there is a small physicochemical difference between arginine and glutamine. In summary, the available evidence is currently insufficient to determine the role of this variant in disease. Therefore, it has been classified as a Variant of Uncertain Significance. Algorithms developed to predict the effect of missense changes on protein structure and function are either unavailable or do not agree on the potential impact of this missense change (SIFT: "Tolerated"; PolyPhen-2: "Probably Damaging"; Align-GVGD: "Class C0"). This variant has not been reported in the literature in individuals with FOXP3-related conditions. This variant is not present in population databases (ExAC no frequency).

NM_014009.4(FOXP3):c.1073G>A (p.Arg358Gln)

Gene: FOXP3 (forkhead box P3; minus strand). Cytogenetic location: Xp11.23.
Variant type: single nucleotide variant.
Coding change: c.1073G>A on transcript NM_014009.4 (MANE Select); coding-DNA position 1073, G replaced by A.
Protein change: p.Arg358Gln; replaces arginine 358 with glutamine.
Molecular consequence: missense variant.
Genome position (GRCh38, 1-based): chrX:49,251,737, C>T on the plus strand (G>A on the coding strand, the complement: FOXP3 is on the minus strand). VCF-style: chrX-49251737-C-T. GRCh37 (hg19) VCF-style: chrX-49108198-C-T.
Other names: c.968G>A, p.Arg323Gln (NM_001114377.2); short protein forms R323Q, R358Q.
Identifiers: ClinVar variation 854732 (VCV000854732.13), dbSNP rs1428528910, ClinGen allele CA412948957.